The following is an entry in ClinVar:

NM_198253.3(TERT):c.2887G>A (p.Gly963Ser)

Gene: TERT (telomerase reverse transcriptase; minus strand). Cytogenetic location: 5p15.33.
Variant type: single nucleotide variant.
Coding change: c.2887G>A on transcript NM_198253.3 (MANE Select); coding-DNA position 2887, G replaced by A.
Protein change: p.Gly963Ser; replaces glycine 963 with serine.
Molecular consequence: missense variant. On other transcripts: non-coding transcript variant (2).
Genome position (GRCh38, 1-based): chr5:1,260,557, C>T on the plus strand (G>A on the coding strand, the complement: TERT is on the minus strand). VCF-style: chr5-1260557-C-T. GRCh37 (hg19) VCF-style: chr5-1260672-C-T.
Other names: c.2698G>A, p.Gly900Ser (NM_001193376.3); short protein forms G900S, G963S.
Identifiers: ClinVar variation 642894 (VCV000642894.13), dbSNP rs201272197, ClinGen allele CA112930292.

ClinVar aggregate classification (germline): Conflicting classifications of pathogenicity. Review status: criteria provided, conflicting classifications (1 of 4 stars). 3 submissions from 3 submitters: Uncertain significance (2); Likely benign (1). Last evaluated 2025-10-02.

Conditions:
Idiopathic Pulmonary Fibrosis. Also called: Idiopathic fibrosing alveolitis, chronic form; idiopathic fibrosing alveolitis. Identifiers: Orphanet 2032, MedGen C1800706, MeSH D054990, MONDO:0800504.
Dyskeratosis congenita, autosomal dominant 2. Identifiers: MedGen C3151443, MONDO:0013521, OMIM 613989.
Dyskeratosis congenita. Identifiers: Orphanet 1775, MedGen C0265965, MONDO:0015780.

Allele frequency attached by ClinVar (database versions not stated): TOPMed below 0.00001.
gnomAD v4.1: 7 of 1,614,186 alleles (0.00043%); highest among the groups gnomAD compares: African/African-American, 0.0013%; no homozygotes.

Submissions (3):

Labcorp Genetics (formerly Invitae), Labcorp
Classification: Uncertain significance for Dyskeratosis congenita, autosomal dominant 2; Idiopathic Pulmonary Fibrosis. Last evaluated: 2025-10-02. Review status: criteria provided, single submitter. Criteria: Invitae Variant Classification Sherloc (09022015). Collection method: clinical testing. Allele origin: germline.
Comment: This sequence change replaces glycine, which is neutral and non-polar, with serine, which is neutral and polar, at codon 963 of the TERT protein (p.Gly963Ser). This variant is not present in population databases (gnomAD no frequency). This variant has not been reported in the literature in individuals affected with TERT-related conditions. ClinVar contains an entry for this variant (Variation ID: 642894). An algorithm developed to predict the effect of missense changes on protein structure and function outputs the following: PolyPhen-2: "Benign". The serine amino acid residue is found in multiple mammalian species, which suggests that this missense change does not adversely affect protein function. In summary, the available evidence is currently insufficient to determine the role of this variant in disease. Therefore, it has been classified as a Variant of Uncertain Significance.

Ambry Genetics
Classification: Likely benign for Dyskeratosis congenita. Last evaluated: 2025-06-23. Review status: criteria provided, single submitter. Criteria: Ambry Variant Classification Scheme 2023. Collection method: clinical testing. Allele origin: germline.

GeneDx
Classification: Uncertain significance. Last evaluated: 2024-03-10. Review status: criteria provided, single submitter. Criteria: GeneDx Variant Classification Process June 2021. Collection method: clinical testing. Allele origin: germline. Affected: yes.
Comment: Not observed at significant frequency in large population cohorts (gnomAD); In silico analysis supports that this missense variant does not alter protein structure/function; Has not been previously published as pathogenic or benign to our knowledge